The following is an entry in ClinVar:

ClinVar aggregate classification (germline): Pathogenic (1 of 4 stars; one submission).

Submission:

Labcorp Genetics (formerly Invitae), Labcorp
Classification: Pathogenic. Last evaluated: 2023-12-18. Review status: criteria provided, single submitter. Criteria: Invitae Variant Classification Sherloc (09022015). Collection method: clinical testing. Allele origin: germline.
Comment: This sequence change creates a premature translational stop signal (p.Gly1231Argfs*12) in the COL27A1 gene. It is expected to result in an absent or disrupted protein product. Loss-of-function variants in COL27A1 are known to be pathogenic (PMID: 24986830, 28276056). This variant is not present in population databases (gnomAD no frequency). This variant has not been reported in the literature in individuals affected with COL27A1-related conditions. For these reasons, this variant has been classified as Pathogenic.

Literature cited by the submitters: PubMed 24986830; PubMed 28276056.

NM_032888.4(COL27A1):c.3690dup (p.Gly1231fs)

Gene: COL27A1 (collagen type XXVII alpha 1 chain; plus strand). Cytogenetic location: 9q32.
Variant type: Duplication.
Coding change: c.3690dup on transcript NM_032888.4 (MANE Select); coding-DNA position 3690, one base duplicated (C; older notation c.3690dupC).
Protein change: p.Gly1231fs; shifts the reading frame from glycine 1231.
Molecular consequence: frameshift variant.
Genome position (GRCh38, 1-based): chr9:114,275,741, C duplicated; the last of 6 consecutive C bases (chr9:114,275,736-114,275,741); duplicating any one gives the same sequence. VCF-style (leftmost placement, unchanged base first): chr9-114275735-G-GC. GRCh37 (hg19) VCF-style: chr9-117038015-G-GC.
Other names: short protein forms G1231fs.
Identifiers: ClinVar variation 2703964 (VCV002703964.3), dbSNP rs1554822800, ClinGen allele CA590132849.
Genomic context (GRCh38, chr9:114,275,735, plus strand): 5'-CCCAGGGCCTGATGGAGAACATGGCGAGAAAGGCCAGGAAGGGCTGATGGGTGAGGACGG[G>GC]CCCCCCGGCCCCCCTGGCGTCACTGGTGTCCGGGTGAGTGTGCAGGCCCCTTGCAGCGCC-3'